The following is an entry in ClinVar:

NM_205836.3(FBXO38):c.2569G>A (p.Val857Met)

Gene: FBXO38 (F-box protein 38; plus strand). Cytogenetic location: 5q32.
Variant type: single nucleotide variant.
Coding change: c.2569G>A on transcript NM_205836.3 (MANE Select); coding-DNA position 2569, G replaced by A.
Protein change: p.Val857Met; replaces valine 857 with methionine.
Molecular consequence: missense variant. On other transcripts: intron variant (2).
Genome position (GRCh38, 1-based): chr5:148,427,863, G>A. VCF-style: chr5-148427863-G-A. GRCh37 (hg19) VCF-style: chr5-147807426-G-A.
Other names: c.2428+141G>A (NM_030793.5); c.1918+2162G>A (NM_001271723.2); c.2569G>A (NM_205836.2); short protein forms V857M.
Identifiers: ClinVar variation 1793198 (VCV001793198.4), dbSNP rs138241889, ClinGen allele CA3497539.

ClinVar aggregate classification (germline): Benign. Review status: criteria provided, single submitter (1 of 4 stars). 2 submissions from 2 submitters: Benign (1). 1 of the submissions does not count toward it. Last evaluated 2022-03-27.

Conditions:
FBXO38-related disorder. Also called: FBXO38-related condition.

Allele frequency attached by ClinVar (database versions not stated): ESP Exome Variant Server 0.00023; 1000 Genomes Project 30x 0.00031; 1000 Genomes Project 0.00040.
gnomAD v4.1: 157 of 1,585,988 alleles (0.0099%); highest among the groups gnomAD compares: Admixed American, 0.072%; no homozygotes.

Submissions (2):

Ambry Genetics
Classification: Benign. Last evaluated: 2022-03-27. Review status: criteria provided, single submitter. Criteria: Ambry Variant Classification Scheme 2023. Collection method: clinical testing. Allele origin: germline.

PreventionGenetics, part of Exact Sciences
Classification: Likely benign for FBXO38-related condition. Last evaluated: 2023-10-02. Review status: no assertion criteria provided. Collection method: clinical testing. Allele origin: germline. Not counted in ClinVar's aggregate classification.
Comment: This variant is classified as likely benign based on ACMG/AMP sequence variant interpretation guidelines (Richards et al. 2015 PMID: 25741868, with internal and published modifications).